The following is an entry in ClinVar:

ClinVar aggregate classification (germline): Uncertain significance (1 of 4 stars; one submission).

gnomAD v4.1: 2 of 1,601,646 alleles (0.00012%); highest among the groups gnomAD compares: South Asian, 0.0011%; no homozygotes.

Submission:

Labcorp Genetics (formerly Invitae), Labcorp
Classification: Uncertain significance. Last evaluated: 2022-03-27. Review status: criteria provided, single submitter. Criteria: Invitae Variant Classification Sherloc (09022015). Collection method: clinical testing. Allele origin: germline.
Comment: In summary, the available evidence is currently insufficient to determine the role of this variant in disease. Therefore, it has been classified as a Variant of Uncertain Significance. Algorithms developed to predict the effect of missense changes on protein structure and function are either unavailable or do not agree on the potential impact of this missense change (SIFT: "Tolerated"; PolyPhen-2: "Possibly Damaging"; Align-GVGD: "Class C0"). This variant has not been reported in the literature in individuals affected with FEZF1-related conditions. This variant is present in population databases (no rsID available, gnomAD 0.0009%). This sequence change replaces glycine, which is neutral and non-polar, with glutamic acid, which is acidic and polar, at codon 89 of the FEZF1 protein (p.Gly89Glu).

NM_001024613.4(FEZF1):c.266G>A (p.Gly89Glu)

Genes: FEZF1 (FEZ family zinc finger 1; minus strand), FEZF1-AS1 (FEZF1 antisense RNA 1; plus strand). Cytogenetic location: 7q31.32.
Variant type: single nucleotide variant.
Coding change: c.266G>A on transcript NM_001024613.4 (MANE Select); coding-DNA position 266, G replaced by A.
Protein change: p.Gly89Glu; replaces glycine 89 with glutamic acid.
Molecular consequence: missense variant. On other transcripts: non-coding transcript variant (1).
Genome position (GRCh38, 1-based): chr7:122,304,172, C>T on the plus strand (G>A on the coding strand, the complement: FEZF1 is on the minus strand). VCF-style: chr7-122304172-C-T. GRCh37 (hg19) VCF-style: chr7-121944226-C-T.
Other names: c.266G>A, p.Gly89Glu (NM_001160264.3); short protein forms G89E.
Identifiers: ClinVar variation 1938510 (VCV001938510.5), dbSNP rs1218083905, ClinGen allele CA369035384.